The following is an entry in ClinVar:

ClinVar aggregate classification (germline): Uncertain significance. Review status: criteria provided, multiple submitters, no conflicts (2 of 4 stars). 3 submissions from 3 submitters: Uncertain significance (3). Last evaluated 2024-12-31.

Conditions:
Cardiovascular phenotype. Identifiers: MedGen CN230736.
Long QT syndrome (LQTS). Identifiers: MedGen C0023976, MeSH D008133, MONDO:0002442. Disease mechanism: loss of function. Inheritance: Various modes of inheritance.

Allele frequency attached by ClinVar (database versions not stated): gnomAD exomes below 0.00001 and 0.00001; gnomAD 0.00001; TOPMed 0.00003.
gnomAD v4.1: 11 of 1,614,046 alleles (0.00068%); highest among the groups gnomAD compares: Middle Eastern, 0.049%; no homozygotes.

Submissions (3):

Ambry Genetics
Classification: Uncertain significance for Cardiovascular phenotype. Last evaluated: 2024-12-31. Review status: criteria provided, single submitter. Criteria: Ambry Variant Classification Scheme 2023. Collection method: clinical testing. Allele origin: germline.
Comment: The p.S3910P variant (also known as c.11728T>C), located in coding exon 45 of the ANK2 gene, results from a T to C substitution at nucleotide position 11728. The serine at codon 3910 is replaced by proline, an amino acid with similar properties. This amino acid position is not well conserved in available vertebrate species, and proline is the reference amino acid in other vertebrate species. In addition, the in silico prediction for this alteration is inconclusive. Since supporting evidence is limited at this time, the clinical significance of this alteration remains unclear.

GeneDx
Classification: Uncertain significance. Last evaluated: 2022-03-07. Review status: criteria provided, single submitter. Criteria: GeneDx Variant Classification Process June 2021. Collection method: clinical testing. Allele origin: germline. Affected: yes.
Comment: Has not been previously published as pathogenic or benign to our knowledge; Not observed at significant frequency in large population cohorts (gnomAD); In silico analysis supports that this missense variant does not alter protein structure/function

Labcorp Genetics (formerly Invitae), Labcorp
Classification: Uncertain significance for Long QT syndrome. Last evaluated: 2022-03-05. Review status: criteria provided, single submitter. Criteria: Invitae Variant Classification Sherloc (09022015). Collection method: clinical testing. Allele origin: germline.
Comment: This variant is present in population databases (no rsID available, gnomAD 0.006%). In summary, the available evidence is currently insufficient to determine the role of this variant in disease. Therefore, it has been classified as a Variant of Uncertain Significance. Algorithms developed to predict the effect of missense changes on protein structure and function output the following: SIFT: "Tolerated"; PolyPhen-2: "Benign"; Align-GVGD: "Class C0". The proline amino acid residue is found in multiple mammalian species, which suggests that this missense change does not adversely affect protein function. This variant has not been reported in the literature in individuals affected with ANK2-related conditions. This sequence change replaces serine, which is neutral and polar, with proline, which is neutral and non-polar, at codon 3910 of the ANK2 protein (p.Ser3910Pro).

NM_001148.6(ANK2):c.11728T>C (p.Ser3910Pro)

Gene: ANK2 (ankyrin 2; plus strand). Cytogenetic location: 4q26.
Variant type: single nucleotide variant.
Coding change: c.11728T>C on transcript NM_001148.6 (MANE Select); coding-DNA position 11728, T replaced by C.
Protein change: p.Ser3910Pro; replaces serine 3910 with proline.
Molecular consequence: missense variant. On other transcripts: intron variant (9).
Genome position (GRCh38, 1-based): chr4:113,373,318, T>C. VCF-style: chr4-113373318-T-C. GRCh37 (hg19) VCF-style: chr4-114294474-T-C.
Other names: c.5446T>C, p.Ser1816Pro (NM_001127493.3); c.5485T>C, p.Ser1829Pro (NM_001354225.2); c.5467T>C, p.Ser1823Pro (NM_001354228.2); c.5452T>C, p.Ser1818Pro (NM_001354230.2); c.5608T>C, p.Ser1870Pro (NM_001354231.2); c.5602T>C, p.Ser1868Pro (NM_001354232.2); c.5563T>C, p.Ser1855Pro (NM_001354235.2); c.5371T>C, p.Ser1791Pro (NM_001354236.2); and 50 more; short protein forms S1001P, S1008P, S1013P, S1664P, S1730P, S1752P, S1754P, S1761P.
Identifiers: ClinVar variation 1448827 (VCV001448827.12), dbSNP rs1181940613, ClinGen allele CA357943579.